The following is an entry in ClinVar:

ClinVar aggregate classification (germline): Uncertain significance (1 of 4 stars; one submission).

Submission:

Labcorp Genetics (formerly Invitae), Labcorp
Classification: Uncertain significance. Last evaluated: 2022-04-18. Review status: criteria provided, single submitter. Criteria: Invitae Variant Classification Sherloc (09022015). Collection method: clinical testing. Allele origin: germline.
Comment: In summary, the available evidence is currently insufficient to determine the role of this variant in disease. Therefore, it has been classified as a Variant of Uncertain Significance. Experimental studies and prediction algorithms are not available or were not evaluated, and the functional significance of this variant is currently unknown. This variant has not been reported in the literature in individuals affected with PUS1-related conditions. Information on the frequency of this variant in the gnomAD database is not available, as this variant may be reported differently in the database. This sequence change replaces proline, which is neutral and non-polar, with serine, which is neutral and polar, at codon 414 of the PUS1 protein (p.Pro414Ser).

NM_025215.6(PUS1):c.1239_1240delinsTT (p.Pro414Ser)

Gene: PUS1 (pseudouridine synthase 1; plus strand). Cytogenetic location: 12q24.33.
Variant type: Indel.
Coding change: c.1239_1240delinsTT on transcript NM_025215.6 (MANE Select); coding-DNA positions 1239 to 1240, GC replaced by TT.
Protein change: p.Pro414Ser; replaces proline 414 with serine.
Molecular consequence: missense variant.
Genome position (GRCh38, 1-based): chr12:131,943,541-131,943,542, GC replaced by TT. VCF-style: chr12-131943541-GC-TT. GRCh37 (hg19) VCF-style: chr12-132428086-GC-TT.
Other names: c.1155_1156delinsTT, p.Pro386Ser (NM_001002019.3, NM_001002020.3); short protein forms P414S, P386S.
Identifiers: ClinVar variation 2123954 (VCV002123954.4), dbSNP rs2540876269, ClinGen allele CA2580085974.
Genomic context (GRCh38, chr12:131,943,541, plus strand): 5'-TCCAGGAGCAGTGGAGAGAGTGCTTGCCTCTTATTCTCCATGTGGTCTTCTTCTGCAGGT[GC>TT]CCAGTCCCCTGGAAGGCAGTGAAGGGGACGGAGACACTGACTGAGGCGATGGGAGCTGCC-3'
Protein context (NP_079491.2, residues 404-424): LTAGGTGAKV[Pro414Ser]SPLEGSEGDG